The following is an entry in ClinVar:

NM_003611.3(OFD1):c.602A>G (p.Asn201Ser)

Gene: OFD1 (OFD1 centriole and centriolar satellite protein; plus strand). Cytogenetic location: Xp22.2.
Variant type: single nucleotide variant.
Coding change: c.602A>G on transcript NM_003611.3 (MANE Select); coding-DNA position 602, A replaced by G.
Protein change: p.Asn201Ser; replaces asparagine 201 with serine.
Molecular consequence: missense variant.
Genome position (GRCh38, 1-based): chrX:13,746,403, A>G. VCF-style: chrX-13746403-A-G. GRCh37 (hg19) VCF-style: chrX-13764522-A-G.
Other names: c.602A>G, p.Asn201Ser (NM_001330209.2); c.182A>G, p.Asn61Ser (NM_001330210.2); short protein forms N61S, N201S.
Identifiers: ClinVar variation 2062475 (VCV002062475.4), dbSNP rs769084084, ClinGen allele CA10351651.
Genomic context (GRCh38, chrX:13,746,403, plus strand): 5'-ATCAGTTTGCAGATGCTTACCCTCAGCGTATCAAGTTCGAATCTTTAGAAATAAAGCTAA[A>G]TGAGTATAAGAGAGAAATAGAAGAGCAACTTCGGGCAGAAATGTGTCAAAAGGTAAGCTT-3'
Protein context (NP_003602.1, residues 191-211): IKFESLEIKL[Asn201Ser]EYKREIEEQL

ClinVar aggregate classification (germline): Uncertain significance (1 of 4 stars; one submission).

Conditions:
Joubert syndrome. Also called: CEREBELLOPARENCHYMAL DISORDER IV; JOUBERT-BOLTSHAUSER SYNDROME; Familial aplasia of the vermis. Identifiers: Orphanet 475, MedGen C5979921, MONDO:0018772.
Orofaciodigital syndrome I (OFD1). Also called: OFDS I; Papillon-Leage and Psaume Syndrome; Oral-Facial-Digital Syndrome Type I. Identifiers: Orphanet 2750, MedGen C1510460, MONDO:0010702, OMIM 311200.

Allele frequency attached by ClinVar (database versions not stated): gnomAD exomes below 0.00001; ExAC 0.00001.
gnomAD v4.1: 2 of 1,208,127 alleles (0.00017%); highest among the groups gnomAD compares: Admixed American, 0.0022%; no homozygotes.

Submission:

Labcorp Genetics (formerly Invitae), Labcorp
Classification: Uncertain significance for Orofaciodigital syndrome I; Joubert syndrome. Last evaluated: 2025-12-23. Review status: criteria provided, single submitter. Criteria: Invitae Variant Classification Sherloc (09022015). Collection method: clinical testing. Allele origin: germline.
Comment: This sequence change replaces asparagine, which is neutral and polar, with serine, which is neutral and polar, at codon 201 of the OFD1 protein (p.Asn201Ser). This variant is present in population databases (rs769084084, gnomAD 0.004%). This variant has not been reported in the literature in individuals affected with OFD1-related conditions. ClinVar contains an entry for this variant (Variation ID: 2062475). An algorithm developed to predict the effect of missense changes on protein structure and function outputs the following: PolyPhen-2: "Benign". The serine amino acid residue is found in multiple mammalian species, which suggests that this missense change does not adversely affect protein function. In summary, the available evidence is currently insufficient to determine the role of this variant in disease. Therefore, it has been classified as a Variant of Uncertain Significance.